The following is an entry in ClinVar:

ClinVar aggregate classification (germline): Likely benign. Review status: criteria provided, single submitter (1 of 4 stars). 2 submissions from 2 submitters: Likely benign (1). 1 of the submissions does not count toward it. Last evaluated 2025-10-01.

Conditions:
STAT5B-related disorder. Also called: STAT5B-related condition.
Growth hormone insensitivity with immune dysregulation 1, autosomal recessive. Also called: GROWTH HORMONE INSENSITIVITY SYNDROME WITH IMMUNE DYSREGULATION 1, AUTOSOMAL RECESSIVE; Laron syndrome with immunodeficiency; GROWTH HORMONE INSENSITIVITY DUE TO POSTRECEPTOR DEFECT; LARON SYNDROME DUE TO POSTRECEPTOR DEFECT. Identifiers: Orphanet 220465, MedGen C5435698, MONDO:0100211, OMIM 245590.

Allele frequency attached by ClinVar (database versions not stated): ExAC 0.00008; ESP Exome Variant Server 0.00008; TOPMed 0.00008; gnomAD exomes 0.00010; gnomAD 0.00011 and 0.00013; 1000 Genomes Project 30x 0.00031; 1000 Genomes Project 0.00040.
gnomAD v4.1: 170 of 1,614,060 alleles (0.011%); highest among the groups gnomAD compares: East Asian, 0.045%; no homozygotes.

Submissions (2):

Labcorp Genetics (formerly Invitae), Labcorp
Classification: Likely benign for Growth hormone insensitivity with immune dysregulation 1, autosomal recessive. Last evaluated: 2025-10-01. Review status: criteria provided, single submitter. Criteria: Invitae Variant Classification Sherloc (09022015). Collection method: clinical testing. Allele origin: germline.

PreventionGenetics, part of Exact Sciences
Classification: Likely benign for STAT5B-related condition. Last evaluated: 2023-12-19. Review status: no assertion criteria provided. Collection method: clinical testing. Allele origin: germline. Not counted in ClinVar's aggregate classification.
Comment: This variant is classified as likely benign based on ACMG/AMP sequence variant interpretation guidelines (Richards et al. 2015 PMID: 25741868, with internal and published modifications).

NM_012448.4(STAT5B):c.2004C>T (p.Tyr668=)

Gene: STAT5B (signal transducer and activator of transcription 5B; minus strand). Cytogenetic location: 17q21.2.
Variant type: single nucleotide variant.
Coding change: c.2004C>T on transcript NM_012448.4 (MANE Select); coding-DNA position 2004, C replaced by T.
Protein change: p.Tyr668=; no amino-acid change (tyrosine 668 retained).
Molecular consequence: synonymous variant.
Genome position (GRCh38, 1-based): chr17:42,207,631, G>A on the plus strand (C>T on the coding strand, the complement: STAT5B is on the minus strand). VCF-style: chr17-42207631-G-A. GRCh37 (hg19) VCF-style: chr17-40359649-G-A.
Identifiers: ClinVar variation 748622 (VCV000748622.13), dbSNP rs147503881, ClinGen allele CA8573923.